The following is an entry in ClinVar:

NM_001042492.3(NF1):c.4989del (p.Phe1663fs)

Gene: NF1 (neurofibromin 1; plus strand). Cytogenetic location: 17q11.2.
Variant type: Deletion.
Coding change: c.4989del on transcript NM_001042492.3 (MANE Select); coding-DNA position 4989, one base deleted (T; older notation c.4989delT).
Protein change: p.Phe1663fs; shifts the reading frame from phenylalanine 1663.
Molecular consequence: frameshift variant.
Genome position (GRCh38, 1-based): chr17:31,325,973, T deleted; the last of 3 consecutive T bases (chr17:31,325,971-31,325,973); deleting any one gives the same sequence. VCF-style (leftmost placement, unchanged base first): chr17-31325970-GT-G. GRCh37 (hg19) VCF-style: chr17-29652988-GT-G.
Other names: c.4926delT, p.Phe1642Leufs (NM_000267.4); c.4926delT (NM_000267.3); short protein forms F1642fs, F1663fs.
Identifiers: ClinVar variation 569882 (VCV000569882.6), dbSNP rs1567611380, ClinGen allele CA891844017.

ClinVar aggregate classification (germline): Pathogenic. Review status: criteria provided, multiple submitters, no conflicts (2 of 4 stars). 2 submissions from 2 submitters: Pathogenic (2). Last evaluated 2025-06-10.

Conditions:
Neurofibromatosis, type 1 (NF1). Also called: Peripheral type neurofibromatosis; VON RECKLINGHAUSEN DISEASE; Neurofibromatosis, type I; NEUROFIBROMATOSIS, TYPE I, SOMATIC. Identifiers: Orphanet 636, MedGen C0027831, MONDO:0018975, OMIM 162200. Disease mechanism: loss of function.

Submissions (2):

Labcorp Genetics (formerly Invitae), Labcorp
Classification: Pathogenic for Neurofibromatosis, type 1. Last evaluated: 2025-06-10. Review status: criteria provided, single submitter. Criteria: Invitae Variant Classification Sherloc (09022015). Collection method: clinical testing. Allele origin: germline.
Comment: This sequence change creates a premature translational stop signal (p.Phe1642Leufs*35) in the NF1 gene. It is expected to result in an absent or disrupted protein product. Loss-of-function variants in NF1 are known to be pathogenic (PMID: 10712197, 23913538). This variant is not present in population databases (gnomAD no frequency). This premature translational stop signal has been observed in individual(s) with NF1-related conditions (PMID: 21520333). ClinVar contains an entry for this variant (Variation ID: 569882). For these reasons, this variant has been classified as Pathogenic.

3billion
Classification: Pathogenic for Neurofibromatosis, type 1. Last evaluated: 2023-11-13. Review status: criteria provided, single submitter. Criteria: ACMG Guidelines, 2015. Collection method: clinical testing. Allele origin: germline. Affected: yes.
Comment: The variant is not observed in the gnomAD v2.1.1 dataset. Predicted Consequence/Location: Frameshift: predicted to result in a loss or disruption of normal protein function through nonsense-mediated decay (NMD) or protein truncation. Multiple pathogenic variants are reported downstream of the variant. The variant has been reported to be associated with NF1-related disorder (ClinVar ID: VCV000569882). Therefore, this variant is classified as Pathogenic according to the recommendation of ACMG/AMP guideline.

Literature cited by the submitters: PubMed 10712197 (cited by Labcorp Genetics (formerly Invitae), Labcorp); PubMed 23913538 (cited by Labcorp Genetics (formerly Invitae), Labcorp); PubMed 21520333 (cited by Labcorp Genetics (formerly Invitae), Labcorp).